The following is an entry in ClinVar:

ClinVar aggregate classification (germline): Uncertain significance (1 of 4 stars; one submission).

gnomAD v4.1: 1 of 1,613,804 alleles (0.000062%); no homozygotes.

Submission:

Ambry Genetics
Classification: Uncertain significance. Last evaluated: 2023-01-14. Review status: criteria provided, single submitter. Criteria: Ambry Variant Classification Scheme 2023. Collection method: clinical testing. Allele origin: germline.
Comment: The p.G798R variant (also known as c.2392G>A), located in coding exon 21 of the PRKDC gene, results from a G to A substitution at nucleotide position 2392. The glycine at codon 798 is replaced by arginine, an amino acid with dissimilar properties. This amino acid position is conserved. In addition, this alteration is predicted to be tolerated by in silico analysis. Since supporting evidence is limited at this time, the clinical significance of this alteration remains unclear.

NM_006904.7(PRKDC):c.2392G>A (p.Gly798Arg)

Gene: PRKDC (protein kinase, DNA-activated, catalytic subunit; minus strand). Cytogenetic location: 8q11.21.
Variant type: single nucleotide variant.
Coding change: c.2392G>A on transcript NM_006904.7 (MANE Select); coding-DNA position 2392, G replaced by A.
Protein change: p.Gly798Arg; replaces glycine 798 with arginine.
Molecular consequence: missense variant.
Genome position (GRCh38, 1-based): chr8:47,927,221, C>T on the plus strand (G>A on the coding strand, the complement: PRKDC is on the minus strand). VCF-style: chr8-47927221-C-T. GRCh37 (hg19) VCF-style: chr8-48839781-C-T.
Other names: c.2392G>A, p.Gly798Arg (NM_001081640.2); short protein forms G798R.
Identifiers: ClinVar variation 2497435 (VCV002497435.2), dbSNP rs2551878117, ClinGen allele CA371161692.
Genomic context (GRCh38, chr8:47,927,221, plus strand): 5'-TACAATACACATCACAATTCTTCTAAACATTACCTGACAAGGCTGAAGTCTTCAGGTATC[C>T]ATCCAGGCAGGGGAGAATGTCTTTGTAATAAGGCTGCATTACATGTCTGTCAATATAAAT-3'
Protein context (NP_008835.5, residues 788-808): YYKDILPCLD[Gly798Arg]YLKTSALSDE